The following is an entry in ClinVar:

NM_005529.7(HSPG2):c.1868C>T (p.Ala623Val)

Gene: HSPG2 (heparan sulfate proteoglycan 2; minus strand). Cytogenetic location: 1p36.12.
Variant type: single nucleotide variant.
Coding change: c.1868C>T on transcript NM_005529.7 (MANE Select); coding-DNA position 1868, C replaced by T.
Protein change: p.Ala623Val; replaces alanine 623 with valine.
Molecular consequence: missense variant.
Genome position (GRCh38, 1-based): chr1:21,880,786, G>A on the plus strand (C>T on the coding strand, the complement: HSPG2 is on the minus strand). VCF-style: chr1-21880786-G-A. GRCh37 (hg19) VCF-style: chr1-22207279-G-A.
Other names: c.1871C>T, p.Ala624Val (NM_001291860.2); short protein forms A623V, A624V.
Identifiers: ClinVar variation 1330737 (VCV001330737.13), dbSNP rs1433786790, ClinGen allele CA338966082.

ClinVar aggregate classification (germline): Uncertain significance. Review status: criteria provided, multiple submitters, no conflicts (2 of 4 stars). 2 submissions from 2 submitters: Uncertain significance (2). Last evaluated 2022-02-21.

Allele frequency attached by ClinVar (database versions not stated): TOPMed below 0.00001; gnomAD 0.00001; gnomAD exomes 0.00001.
gnomAD v4.1: 12 of 1,598,500 alleles (0.00075%); highest among the groups gnomAD compares: Admixed American, 0.0017%; no homozygotes.

Submissions (2):

Labcorp Genetics (formerly Invitae), Labcorp
Classification: Uncertain significance. Last evaluated: 2022-02-21. Review status: criteria provided, single submitter. Criteria: Invitae Variant Classification Sherloc (09022015). Collection method: clinical testing. Allele origin: germline.
Comment: Algorithms developed to predict the effect of sequence changes on RNA splicing suggest that this variant may create or strengthen a splice site. Algorithms developed to predict the effect of missense changes on protein structure and function are either unavailable or do not agree on the potential impact of this missense change (SIFT: "Tolerated"; PolyPhen-2: "Possibly Damaging"; Align-GVGD: "Class C0"). ClinVar contains an entry for this variant (Variation ID: 1330737). This variant has not been reported in the literature in individuals affected with HSPG2-related conditions. This variant is not present in population databases (gnomAD no frequency). This sequence change replaces alanine, which is neutral and non-polar, with valine, which is neutral and non-polar, at codon 623 of the HSPG2 protein (p.Ala623Val). In summary, the available evidence is currently insufficient to determine the role of this variant in disease. Therefore, it has been classified as a Variant of Uncertain Significance.

ARUP Laboratories, Molecular Genetics and Genomics, ARUP Laboratories
Classification: Uncertain significance. Last evaluated: 2021-05-12. Review status: criteria provided, single submitter. Criteria: ARUP Molecular Germline Variant Investigation Process 2021. Collection method: clinical testing. Allele origin: germline.
Comment: The HSPG2 c.1868C>T; p.Ala623Val variant (rs1433786790), to our knowledge, is not reported in the medical literature or gene-specific databases. This variant is also absent from general population databases (Exome Variant Server, Genome Aggregation Database), indicating it is not a common polymorphism. The alanine at codon 623 is weakly conserved, and computational analyses are uncertain whether this variant is neutral or deleterious (REVEL: 0.43). Due to limited information, the clinical significance of the p.Ala623Val variant is uncertain at this time.